The following is an entry in ClinVar:

ClinVar aggregate classification (germline): Likely benign. Review status: criteria provided, multiple submitters, no conflicts (2 of 4 stars). 2 submissions from 2 submitters: Likely benign (2). Last evaluated 2024-11-22.

Allele frequency attached by ClinVar (database versions not stated): ExAC 0.00040.

Submissions (2):

Blueprint Genetics
Classification: Likely benign. Last evaluated: 2024-11-22. Review status: criteria provided, single submitter. Criteria: ACMG Guidelines, 2015. Collection method: clinical testing. Allele origin: germline.

CeGaT Center for Human Genetics Tuebingen
Classification: Likely benign. Last evaluated: 2022-07-01. Review status: criteria provided, single submitter. Criteria: CeGaT Center For Human Genetics Tuebingen Variant Classification Criteria Version 2. Collection method: clinical testing. Allele origin: germline. Affected: yes. Observed: 1 variant allele.
Comment: HYDIN: BP4, BP7

NM_001270974.2(HYDIN):c.10923C>T (p.Asp3641=)

Gene: HYDIN (HYDIN axonemal central pair apparatus protein; minus strand). Cytogenetic location: 16q22.2.
Variant type: single nucleotide variant.
Coding change: c.10923C>T on transcript NM_001270974.2 (MANE Select); coding-DNA position 10923, C replaced by T.
Protein change: p.Asp3641=; no amino-acid change (aspartic acid 3641 retained).
Molecular consequence: synonymous variant.
Genome position (GRCh38, 1-based): chr16:70,874,330, G>A on the plus strand (C>T on the coding strand, the complement: HYDIN is on the minus strand). VCF-style: chr16-70874330-G-A. GRCh37 (hg19) VCF-style: chr16-70908233-G-A.
Identifiers: ClinVar variation 2646713 (VCV002646713.25), dbSNP rs200165326, ClinGen allele CA8149175.